The following is an entry in ClinVar:

NM_000545.8(HNF1A):c.1614_1617del (p.Thr539fs)

Gene: HNF1A (HNF1 homeobox A; plus strand). Cytogenetic location: 12q24.31.
Variant type: Deletion.
Coding change: c.1614_1617del on transcript NM_000545.8 (MANE Select); coding-DNA positions 1614 to 1617, 4 bases deleted (CACC; older notation c.1614_1617delCACC).
Protein change: p.Thr539fs; shifts the reading frame from threonine 539.
Molecular consequence: frameshift variant.
Genome position (GRCh38, 1-based): chr12:120,999,380-120,999,383, CACC deleted; deleting any 4 consecutive bases within chr12:120,999,378-120,999,383 gives the same sequence; the c. name uses the placement nearest the transcript's 3' end. VCF-style (leftmost placement, unchanged base first): chr12-120999377-GCCCA-G. GRCh37 (hg19) VCF-style: chr12-121437180-GCCCA-G.
Other names: c.1614_1617del, p.Thr539fs (NM_001306179.2); c.1422_1425del, p.Thr475fs (NM_001406915.1); short protein forms T539fs, T475fs.
Identifiers: ClinVar variation 2775406 (VCV002775406.2), dbSNP rs2500009433, ClinGen allele CA2697551551.

ClinVar aggregate classification (germline): Likely pathogenic (1 of 4 stars; one submission).

Conditions:
Maturity-onset diabetes of the young (MODY). Also called: Maturity onset diabetes mellitus in young. Identifiers: Orphanet 552, MedGen C0342276, MONDO:0018911, HP:0004904.

Submission:

MVZ Dr. Eberhard & Partner Dortmund
Classification: Likely pathogenic for Maturity-onset diabetes of the young. Last evaluated: 2023-03-30. Review status: criteria provided, single submitter. Criteria: ACMG Guidelines, 2015. Collection method: clinical testing. Allele origin: unknown. Observed: 1 heterozygote.
Comment: The computational evidence is inconspicuous concerning splicing for this variant. It was absent from variant databases, control databases and from literature. Only the variant c.1611_1614delGCCC for p.Thr539Serfs*120 in proximity was listed in the literature